The following is an entry in ClinVar:

NM_000359.3(TGM1):c.1414T>C (p.Cys472Arg)

Gene: TGM1 (transglutaminase 1; minus strand). Cytogenetic location: 14q12.
Variant type: single nucleotide variant.
Coding change: c.1414T>C on transcript NM_000359.3 (MANE Select); coding-DNA position 1414, T replaced by C.
Protein change: p.Cys472Arg; replaces cysteine 472 with arginine.
Molecular consequence: missense variant.
Genome position (GRCh38, 1-based): chr14:24,256,066, A>G on the plus strand (T>C on the coding strand, the complement: TGM1 is on the minus strand). VCF-style: chr14-24256066-A-G. GRCh37 (hg19) VCF-style: chr14-24725272-A-G.
Other names: short protein forms C472R.
Identifiers: ClinVar variation 2900143 (VCV002900143.3), dbSNP rs2502496441, ClinGen allele CA389256998.

ClinVar aggregate classification (germline): Likely pathogenic (1 of 4 stars; one submission).

Submission:

Labcorp Genetics (formerly Invitae), Labcorp
Classification: Likely pathogenic. Last evaluated: 2023-06-23. Review status: criteria provided, single submitter. Criteria: Invitae Variant Classification Sherloc (09022015). Collection method: clinical testing. Allele origin: germline.
Comment: In summary, the currently available evidence indicates that the variant is pathogenic, but additional data are needed to prove that conclusively. Therefore, this variant has been classified as Likely Pathogenic. Advanced modeling of protein sequence and biophysical properties (such as structural, functional, and spatial information, amino acid conservation, physicochemical variation, residue mobility, and thermodynamic stability) performed at Invitae indicates that this missense variant is expected to disrupt TGM1 protein function. This missense change has been observed in individual(s) with congenital ichythosis (Invitae). This variant is not present in population databases (gnomAD no frequency). This sequence change replaces cysteine, which is neutral and slightly polar, with arginine, which is basic and polar, at codon 472 of the TGM1 protein (p.Cys472Arg).